The following is an entry in ClinVar:

ClinVar aggregate classification (germline): Conflicting classifications of pathogenicity. Review status: criteria provided, conflicting classifications (1 of 4 stars). 9 submissions from 9 submitters: Pathogenic (1); Likely pathogenic (3); Uncertain significance (5). Last evaluated 2026-09-22.

Conditions:
Autosomal recessive hypophosphatemic bone disease (HHRH). Also called: Hypophosphatemic rickets with hypercalciuria; HYPERCALCIURIC RICKETS. Identifiers: Orphanet 157215, MedGen C1853271, MONDO:0009431, OMIM 241530.
Kidney disorder. Also called: Nephropathy; Kidney disease; Kidney Diseases; renal disorder; renal disease. Identifiers: MedGen C0022658, MONDO:0005240, HP:0000112.
SLC34A3-related disorder. Also called: SLC34A3-related condition.

Allele frequency attached by ClinVar (database versions not stated): ExAC 0.00010; gnomAD exomes 0.00010 and 0.00022; 1000 Genomes Project 30x 0.00016; TOPMed 0.00017; ESP Exome Variant Server 0.00054; 1000 Genomes Project 0.00020; gnomAD 0.00021.
gnomAD v4.1: 364 of 1,610,174 alleles (0.023%); highest among the groups gnomAD compares: Non-Finnish European, 0.027%; no homozygotes.

Submissions (9):

PreventionGenetics, part of Exact Sciences
Classification: Uncertain significance for SLC34A3-related condition. Last evaluated: 2026-09-22. Review status: criteria provided, single submitter. Criteria: ACMG Guidelines, 2015. Collection method: clinical testing. Allele origin: germline.
Comment: The SLC34A3 c.413C>T variant is predicted to result in the amino acid substitution p.Ser138Phe. This variant has been reported in combination with another SLC34A3 variant in individuals with hereditary hypophosphataemic rickets with hypercalciuria (Bergwitz et al. 2006. PubMed ID: 16358214; Supplemental tables, Hureaux et al. 2019. PubMed ID: 31672324; Pinto e Vairo et al. 2021. PubMed ID: 34746741) and has been noted to be in the heterozygous state in an individual with hypercalciuria and nephrolithiasis (Supplemental Table 4, Sadeghi-Alavijeh et al. 2023. PubMed ID: 37414395). The c.413C>T, p.Ser138Phe variant is often, but not always, observed to occur in cis with c.1579_1581del, p.Leu527del (Christensen et al. 2021. PubMed ID: 34666334; Urban et al. 2025. PubMed ID: 41292648), but these variants have also been observed in the compound heterozygous state (Supplemental Table 1, Ashton et al. 2018. PubMed ID: 29398133). Experimental studies have shown that the c.413C>T variant adversely impacts protein function (Haito-Sugino et al. 2012. PubMed ID: 22159077; Shiozaki et al. 2015. PubMed ID: 26399350). This variant is reported in 0.021% of alleles in individuals of African descent in gnomAD and has conflicting classifications in ClinVar ranging from uncertain to pathogenic (Variation ID: 949511). Although we suspect that this variant may be pathogenic, at this time, the clinical significance of this variant is uncertain due to the absence of conclusive functional and genetic evidence.

Victorian Clinical Genetics Services, Murdoch Childrens Research Institute
Classification: Likely pathogenic for Autosomal recessive hypophosphatemic bone disease. Last evaluated: 2026-02-19. Review status: criteria provided, single submitter. Criteria: ACMG Guidelines, 2015. Collection method: clinical testing. Allele origin: germline. Affected: yes.
Comment: This variant is classified as Likely pathogenic. Evidence in support of pathogenic classification: Variant is present in gnomAD <0.01 for a recessive condition (v4: 364 heterozygote(s), 0 homozygote(s)); This variant has moderate functional evidence supporting abnormal protein function. This variant has been shown to have decreased transport activity and a reduction in surface expression compared to wild type when transfected into Xenopus oocytes and OK cells (PMID: 22159077); Clinically accredited laboratory assay shows abnormal function of product not specific to the gene. Heterozygous variant detected in trans with a PATHOGENIC heterozygous variant (NM_001177316.2(SLC34A3):c.1623G>A; p.(Trp541*)) in a recessive disease. Additional information: Variant is predicted to result in a missense amino acid change from serine to phenylalanine; This variant is heterozygous; This gene is associated with autosomal recessive disease; Alternative amino acid change(s) at the same position are present in gnomAD (Highest allele count: v2: 2 heterozygote(s), 0 homozygote(s)); Previous reports of pathogenicity for this variant are conflicting. This variant has been classified as VUS and likely pathogenic by clinical laboratories in ClinVar, and was observed along with p.(Leu527del) and p.(Gly457Ser) as a secondary finding in an individual with hereditary spherocytosis and renal tubular acidosis (PMID: 35441494). This variant has also been observed in five families with SLC34A3-related phenotypes where p.(Leu527del) was also observed and suggested to be in cis with this variant in three families (PMIDs: 34805638, 34746741, 24700880, 16358214, 39256228). Those three families also had a third variant that was compound heterozygous with this allele, while the remaining two families only had this variant and p.(Leu527del); Segregation evidence for this variant is inconclusive. This variant has been observed in cis with p.(Leu527del) and in trans with another missense variant in three affected individuals from one family with hypophosphatemic rickets with hypercalciuria (PMID: 16358214); No comparable missense variants have previous evidence for pathogenicity; Variant is located in the annotated Na+/Pi-cotransporter domain (DECIPHER); Missense variant with inconclusive in silico prediction and uninformative conservation; Loss of function is a known mechanism of disease in this gene and is associated with hypophosphatemic rickets with hypercalciuria (MIM#241530); Variants in this gene are known to have variable expressivity. Approximately 45% of compound heterozygotes present with rickets (PMID: 32524022); This variant has been shown to be maternally inherited (external laboratory).

Labcorp Genetics (formerly Invitae), Labcorp
Classification: Uncertain significance. Last evaluated: 2025-12-16. Review status: criteria provided, single submitter. Criteria: Invitae Variant Classification Sherloc (09022015). Collection method: clinical testing. Allele origin: germline.
Comment: This sequence change replaces serine, which is neutral and polar, with phenylalanine, which is neutral and non-polar, at codon 138 of the SLC34A3 protein (p.Ser138Phe). This variant is present in population databases (rs141734934, gnomAD 0.02%). This missense change has been observed in individual(s) with renal hypophosphatemia and is frequently observed in cis with p.Leu527del (PMID: 16358214, 24700880, 31672324, 34666334, 37414395). ClinVar contains an entry for this variant (Variation ID: 949511). Invitae Evidence Modeling of protein sequence and biophysical properties (such as structural, functional, and spatial information, amino acid conservation, physicochemical variation, residue mobility, and thermodynamic stability) indicates that this missense variant is not expected to disrupt SLC34A3 protein function with a negative predictive value of 80%. Experimental studies have shown that this missense change affects SLC34A3 function (PMID: 22159077, 26399350). In summary, the available evidence is currently insufficient to determine the role of this variant in disease. Therefore, it has been classified as a Variant of Uncertain Significance.

GeneDx
Classification: Uncertain significance. Last evaluated: 2025-11-12. Review status: criteria provided, single submitter. Criteria: GeneDx Variant Classification Process June 2021. Collection method: clinical testing. Allele origin: germline. Affected: yes.
Comment: Observed with additional SLC34A3 variants, including c.1579_1581del, in individuals with hereditary hypophosphatemic rickets with hypercalciuria (HHRH) in published literature, however, segregation studies were unable to determine the phase of this variant with the other SLC34A3 variants (PMID: 24700880, 16358214); Published functional studies demonstrate a damaging effect with decreased NaPi transport activity compared to wildtype and rapid lysosomal degradation (PMID: 22159077); In silico analysis supports that this missense variant has a deleterious effect on protein structure/function; This variant is associated with the following publications: (PMID: 31352694, 26399350, 24700880, 30895530, 30109410, 34666334, 31672324, 34746741, 34805638, 16358214, 22159077, 39256228, Bennani2024[CaseReport], 37414395, Ahmed2025[Abstract])

Rare Kidney Stone Consortium and the Mayo Clinic Hyperoxaluria Center, Mayo Clinic
Classification: Pathogenic for Autosomal recessive hypophosphatemic bone disease. Last evaluated: 2025-10-03. Review status: criteria provided, single submitter. Criteria: ACMG Guidelines, 2015. Collection method: research. Allele origin: germline. Affected: yes. Observed: 5 variant alleles.

Blueprint Genetics
Classification: Likely pathogenic for SLC34A3-related disorders. Last evaluated: 2024-11-26. Review status: criteria provided, single submitter. Criteria: ACMG Guidelines, 2015. Collection method: clinical testing. Allele origin: germline. Affected: yes. Observed: 5 variant alleles.

Women's Health and Genetics/Laboratory Corporation of America, LabCorp
Classification: Uncertain significance. Last evaluated: 2024-05-02. Review status: criteria provided, single submitter. Criteria: LabCorp Variant Classification Summary - May 2015. Collection method: clinical testing. Allele origin: germline.
Comment: Variant summary: SLC34A3 c.413C>T (p.Ser138Phe) results in a non-conservative amino acid change in the encoded protein sequence. Five of five in-silico tools predict a damaging effect of the variant on protein function. The variant allele was found at a frequency of 0.0001 in 242250 control chromosomes. This frequency is not significantly higher than estimated for a pathogenic variant in SLC34A3 causing Hereditary Hypophosphatemic Rickets With Hypercalciuria (0.0001 vs 0.0018), allowing no conclusion about variant significance. c.413C>T has been reported in the literature in individuals affected with Hereditary Hypophosphatemic Rickets With Hypercalciuria and is frequently found in cis with p.Leu527del (Ashton_2018, Bergwitz_2006, Christensen_2022, Cogal_2021, Dasgupta_2014, Hureaux_2019). These data do not allow any conclusion about variant significance. At least two publications report experimental evidence evaluating an impact on protein function (Haito-Sugino_2012, Shiozaki_2015). The most pronounced variant effect results in reduced sodium-dependent phosphate cotransport acivity. The following publications have been ascertained in the context of this evaluation (PMID: 29398133, 16358214, 34666334, 34805638, 24700880, 22159077, 31672324, 26399350). ClinVar contains an entry for this variant (Variation ID: 949511). Based on the evidence outlined above, the variant was classified as VUS-possibly pathogenic.

Fulgent Genetics
Classification: Likely pathogenic for Autosomal recessive hypophosphatemic bone disease. Last evaluated: 2024-02-15. Review status: criteria provided, single submitter. Criteria: ACMG Guidelines, 2015. Collection method: clinical testing. Allele origin: germline.

Cambridge Genomics Laboratory, East Genomic Laboratory Hub, NHS Genomic Medicine Service
Classification: Uncertain significance for Kidney disorder. Last evaluated: 2018-09-20. Review status: criteria provided, single submitter. Criteria: ACGS Best Practice Guidelines for Variant Classification in Rare Disease 2020. Collection method: clinical testing. Allele origin: germline. Affected: yes. Observed: 1 variant allele.

Literature cited by the submitters: PubMed 22159077 (cited by 3 submitters); PubMed 16358214 (cited by 3 submitters); PubMed 34746741 (cited by Victorian Clinical Genetics Services, Murdoch Childrens Research Institute); PubMed 35441494 (cited by Victorian Clinical Genetics Services, Murdoch Childrens Research Institute); PubMed 39256228 (cited by Victorian Clinical Genetics Services, Murdoch Childrens Research Institute); PubMed 32524022 (cited by Victorian Clinical Genetics Services, Murdoch Childrens Research Institute); PubMed 24700880 (cited by 3 submitters); PubMed 34805638 (cited by Victorian Clinical Genetics Services, Murdoch Childrens Research Institute and Women's Health and Genetics/Laboratory Corporation of America, LabCorp); PubMed 31672324 (cited by Labcorp Genetics (formerly Invitae), Labcorp and Women's Health and Genetics/Laboratory Corporation of America, LabCorp); PubMed 34666334 (cited by Labcorp Genetics (formerly Invitae), Labcorp and Women's Health and Genetics/Laboratory Corporation of America, LabCorp); PubMed 37414395 (cited by Labcorp Genetics (formerly Invitae), Labcorp); PubMed 26399350 (cited by Labcorp Genetics (formerly Invitae), Labcorp and Women's Health and Genetics/Laboratory Corporation of America, LabCorp); PubMed 40794449 (cited by Rare Kidney Stone Consortium and the Mayo Clinic Hyperoxaluria Center, Mayo Clinic); PubMed 29398133 (cited by Women's Health and Genetics/Laboratory Corporation of America, LabCorp).

NM_001177316.2(SLC34A3):c.413C>T (p.Ser138Phe)

Gene: SLC34A3 (solute carrier family 34 member 3; plus strand). Cytogenetic location: 9q34.3.
Variant type: single nucleotide variant.
Coding change: c.413C>T on transcript NM_001177316.2 (MANE Select); coding-DNA position 413, C replaced by T.
Protein change: p.Ser138Phe; replaces serine 138 with phenylalanine.
Molecular consequence: missense variant.
Genome position (GRCh38, 1-based): chr9:137,232,892, C>T. VCF-style: chr9-137232892-C-T. GRCh37 (hg19) VCF-style: chr9-140127344-C-T.
Other names: c.413C>T, p.Ser138Phe (NM_001177317.2, NM_080877.3); short protein forms S138F.
Identifiers: ClinVar variation 949511 (VCV000949511.19), dbSNP rs141734934, ClinGen allele CA5364370.
Genomic context (GRCh38, chr9:137,232,892, plus strand): 5'-CTGTGGCTGGACTGGTCATTGGCGTGCTGGTCACAGCCCTGGTGCAGAGTTCCAGCACGT[C>T]CTCCTCCATCGTGGTCAGCATGGTGGCTGCTAAGCGTGGGTGCACACTCCCTCCCCGGGT-3'
Protein context (NP_001170787.2, residues 128-148): VTALVQSSST[Ser138Phe]SSIVVSMVAA